The following is an entry in ClinVar:

ClinVar aggregate classification (germline): Uncertain significance (1 of 4 stars; one submission).

Conditions:
Breast-ovarian cancer, familial, susceptibility to, 4. Identifiers: Orphanet 145, MedGen C3280345, MONDO:0013669, OMIM 614291.

Submission:

Labcorp Genetics (formerly Invitae), Labcorp
Classification: Uncertain significance for Breast-ovarian cancer, familial, susceptibility to, 4. Last evaluated: 2023-02-23. Review status: criteria provided, single submitter. Criteria: Invitae Variant Classification Sherloc (09022015). Collection method: clinical testing. Allele origin: germline.
Comment: In summary, the available evidence is currently insufficient to determine the role of this variant in disease. Therefore, it has been classified as a Variant of Uncertain Significance. Advanced modeling of protein sequence and biophysical properties (such as structural, functional, and spatial information, amino acid conservation, physicochemical variation, residue mobility, and thermodynamic stability) performed at Invitae indicates that this missense variant is not expected to disrupt RAD51D protein function. This variant has not been reported in the literature in individuals affected with RAD51D-related conditions. This variant is not present in population databases (gnomAD no frequency). This sequence change replaces valine, which is neutral and non-polar, with leucine, which is neutral and non-polar, at codon 51 of the RAD51D protein (p.Val51Leu).

NM_002878.4(RAD51D):c.151G>C (p.Val51Leu)

Genes: RAD51L3-RFFL (RAD51L3-RFFL readthrough; minus strand), RAD51D (RAD51 paralog D; minus strand). Cytogenetic location: 17q12.
Variant type: single nucleotide variant.
Coding change: c.151G>C on transcript NM_002878.4 (MANE Select); coding-DNA position 151, G replaced by C.
Protein change: p.Val51Leu; replaces valine 51 with leucine.
Molecular consequence: missense variant. On other transcripts: intron variant (2).
Genome position (GRCh38, 1-based): chr17:35,118,613, C>G on the plus strand (G>C on the coding strand, the complement: RAD51D is on the minus strand). VCF-style: chr17-35118613-C-G. GRCh37 (hg19) VCF-style: chr17-33445632-C-G.
Other names: c.144+498G>C (NM_133629.3, NM_001142571.2); short protein forms V51L.
Identifiers: ClinVar variation 2840195 (VCV002840195.3), dbSNP rs2091778790, ClinGen allele CA399091612.